The following is an entry in ClinVar:

ClinVar aggregate classification (germline): Conflicting classifications of pathogenicity. Review status: criteria provided, conflicting classifications (1 of 4 stars). 2 submissions from 2 submitters: Uncertain significance (1); Likely benign (1). Last evaluated 2025-07-23.

Conditions:
Myofibrillar myopathy 5. Also called: Filaminopathy (type); FILAMINOPATHY, AUTOSOMAL DOMINANT. Identifiers: Orphanet 171445, MedGen C1836050, MONDO:0012289, OMIM 609524.
Distal myopathy with posterior leg and anterior hand involvement. Also called: WILLIAMS DISTAL MYOPATHY. Identifiers: Orphanet 63273, MedGen C3279722, MONDO:0013550, OMIM 614065.
Hypertrophic cardiomyopathy 26. Also called: Cardiomyopathy, familial hypertrophic, 26. Identifiers: Orphanet 75249, MedGen C4310749, MONDO:0014883, OMIM 617047.

Submissions (2):

Labcorp Genetics (formerly Invitae), Labcorp
Classification: Likely benign for Distal myopathy with posterior leg and anterior hand involvement; Myofibrillar myopathy 5; Hypertrophic cardiomyopathy 26. Last evaluated: 2025-07-23. Review status: criteria provided, single submitter. Criteria: Invitae Variant Classification Sherloc (09022015). Collection method: clinical testing. Allele origin: germline.

GeneDx
Classification: Uncertain significance. Last evaluated: 2025-06-23. Review status: criteria provided, single submitter. Criteria: GeneDx Variant Classification Process June 2021. Collection method: clinical testing. Allele origin: germline. Affected: yes.
Comment: Not observed at significant frequency in large population cohorts (gnomAD); In silico analysis supports that this missense variant has a deleterious effect on protein structure/function; Has not been previously published as pathogenic or benign to our knowledge

NM_001458.5(FLNC):c.1777G>T (p.Val593Leu)

Gene: FLNC (filamin C; plus strand). Cytogenetic location: 7q32.1.
Variant type: single nucleotide variant.
Coding change: c.1777G>T on transcript NM_001458.5 (MANE Select); coding-DNA position 1777, G replaced by T.
Protein change: p.Val593Leu; replaces valine 593 with leucine.
Molecular consequence: missense variant.
Genome position (GRCh38, 1-based): chr7:128,840,934, G>T. VCF-style: chr7-128840934-G-T. GRCh37 (hg19) VCF-style: chr7-128480988-G-T.
Other names: c.1777G>T, p.Val593Leu (NM_001127487.2); short protein forms V593L.
Identifiers: ClinVar variation 4540245 (VCV004540245.2).